The following is an entry in ClinVar:

NM_016013.4(NDUFAF1):c.834+1G>T

Gene: NDUFAF1 (NADH:ubiquinone oxidoreductase complex assembly factor 1; minus strand). Cytogenetic location: 15q15.1.
Variant type: single nucleotide variant.
Coding change: c.834+1G>T on transcript NM_016013.4 (MANE Select); the canonical splice donor site of the intron after coding-DNA position 834, G replaced by T.
Molecular consequence: splice donor variant.
Genome position (GRCh38, 1-based): chr15:41,388,447, C>A on the plus strand (G>T on the coding strand, the complement: NDUFAF1 is on the minus strand). VCF-style: chr15-41388447-C-A. GRCh37 (hg19) VCF-style: chr15-41680645-C-A.
Identifiers: ClinVar variation 2974272 (VCV002974272.3), dbSNP rs1595629240, ClinGen allele CA391839919.
Genomic context (GRCh38, chr15:41,388,447, plus strand): 5'-CCAGAGTTCCGATTCATTAAAAATGATACAGTTCTGAGTGAAAAATACAGGAATATGTTA[C>A]CTTATCAAGCGGAAGCTCATGCTGAACATCCCGGATTCTTCCTCGATTAGAGAAGAAAAA-3'

ClinVar aggregate classification (germline): Uncertain significance (1 of 4 stars; one submission).

Allele frequency attached by ClinVar (database versions not stated): TOPMed below 0.00001; gnomAD 0.00001.
gnomAD v4.1: 2 of 1,605,588 alleles (0.00012%); highest among the groups gnomAD compares: Admixed American, 0.0033%; no homozygotes.

Submission:

Labcorp Genetics (formerly Invitae), Labcorp
Classification: Uncertain significance. Last evaluated: 2022-11-06. Review status: criteria provided, single submitter. Criteria: Invitae Variant Classification Sherloc (09022015). Collection method: clinical testing. Allele origin: germline.
Comment: This sequence change falls in intron 4 of the NDUFAF1 gene. It does not directly change the encoded amino acid sequence of the NDUFAF1 protein. It affects a nucleotide within the consensus splice site. This variant is not present in population databases (gnomAD no frequency). This variant has not been reported in the literature in individuals affected with NDUFAF1-related conditions. Variants that disrupt the consensus splice site are a relatively common cause of aberrant splicing (PMID: 17576681, 9536098). Algorithms developed to predict the effect of sequence changes on RNA splicing suggest that this variant may disrupt the consensus splice site. In summary, the available evidence is currently insufficient to determine the role of this variant in disease. Therefore, it has been classified as a Variant of Uncertain Significance.

Literature cited by the submitters: PubMed 17576681; PubMed 9536098.